The following is an entry in ClinVar:

ClinVar aggregate classification (germline): Uncertain significance (1 of 4 stars; one submission).

Conditions:
Inborn genetic diseases. Identifiers: MedGen C0950123, MeSH D030342.

Submission:

Ambry Genetics
Classification: Uncertain significance for Inborn genetic diseases. Last evaluated: 2025-03-03. Review status: criteria provided, single submitter. Criteria: Ambry Variant Classification Scheme 2023. Collection method: clinical testing. Allele origin: germline.
Comment: The p.I66V variant (also known as c.196A>G), located in coding exon 3 of the BUB1B gene, results from an A to G substitution at nucleotide position 196. The isoleucine at codon 66 is replaced by valine, an amino acid with highly similar properties. This amino acid position is conserved. In addition, this alteration is predicted to be tolerated by in silico analysis. Based on the available evidence, the clinical significance of this variant remains unclear.

NM_001211.6(BUB1B):c.196A>G (p.Ile66Val)

Gene: BUB1B (BUB1 mitotic checkpoint serine/threonine kinase B; plus strand). Cytogenetic location: 15q15.1.
Variant type: single nucleotide variant.
Coding change: c.196A>G on transcript NM_001211.6 (MANE Select); coding-DNA position 196, A replaced by G.
Protein change: p.Ile66Val; replaces isoleucine 66 with valine.
Molecular consequence: missense variant.
Genome position (GRCh38, 1-based): chr15:40,170,078, A>G. VCF-style: chr15-40170078-A-G. GRCh37 (hg19) VCF-style: chr15-40462279-A-G.
Other names: short protein forms I66V.
Identifiers: ClinVar variation 3826129 (VCV003826129.1).